The following is an entry in ClinVar:

ClinVar aggregate classification (germline): Uncertain significance (1 of 4 stars; one submission).

Conditions:
Hereditary cancer-predisposing syndrome. Also called: Neoplastic Syndromes, Hereditary; Tumor predisposition; Hereditary neoplastic syndrome; Hereditary Cancer Syndrome. Identifiers: Orphanet 140162, MedGen C0027672, MeSH D009386, MONDO:0015356.

Submission:

Ambry Genetics
Classification: Uncertain significance for Hereditary cancer-predisposing syndrome. Last evaluated: 2026-05-08. Review status: criteria provided, single submitter. Criteria: Ambry Variant Classification Scheme 2023. Collection method: clinical testing. Allele origin: germline.
Comment: The p.M1? variant (also known as c.3G>A) is located in coding exon 1 of the CDKN2A gene and results from a G to A substitution at nucleotide position 3. This alters the methionine residue at the initiation codon (ATG). Variations that modify the initiation codon (ATG) are expected to result in either loss of translation initiation, N-terminal truncation, or cause a shift in the mRNA reading frame; however, there is an in-frame methionine nine amino acids from the initiation site and the significance of the N-terminus for this protein is not well established. This amino acid position is not well conserved in available vertebrate species. Based on the available evidence, the clinical significance of this variant remains unclear.

NM_000077.5(CDKN2A):c.3G>A (p.Met1Ile)

Genes: CDKN2A (cyclin dependent kinase inhibitor 2A; minus strand), LOC130001603 (ATAC-STARR-seq lymphoblastoid silent region 19811; plus strand). Cytogenetic location: 9p21.3.
Variant type: single nucleotide variant.
Coding change: c.3G>A on transcript NM_000077.5; coding-DNA position 3, G replaced by A.
Protein change: p.Met1Ile; changes the start codon (methionine 1).
Molecular consequence: missense variant (on NM_000077.6). On other transcripts: initiator codon variant (2), intron variant (2).
Genome position (GRCh38, 1-based): chr9:21,974,825, C>T on the plus strand (G>A on the coding strand, the complement: CDKN2A is on the minus strand). VCF-style: chr9-21974825-C-T. GRCh37 (hg19) VCF-style: chr9-21974824-C-T.
Other names: c.3G>A, p.Met1Ile (NM_000077.6, NM_001195132.2, NM_058197.5); c.-3-3617G>A (NM_001363763.2); c.194-3617G>A (NM_058195.4); short protein forms M1I.
Identifiers: ClinVar variation 4868651 (VCV004868651.1).
Genomic context (GRCh38, chr9:21,974,825, plus strand): 5'-GGCCGCGGCCGTGGCCAGCCAGTCAGCCGAAGGCTCCATGCTGCTCCCCGCCGCCGGCTC[C>T]ATGCTGCTCCCCGCCGCCCGCTGCCTGCTCTCCCCCTCTCCGCAGCCGCCGAGCGCACGC-3'
Protein context (NP_000068.1, residues 1-11): [Met1Ile]EPAAGSSMEP